The following is an entry in ClinVar:

NM_020207.7(ERCC6L2):c.88G>A (p.Asp30Asn)

Gene: ERCC6L2 (ERCC excision repair 6 like 2; plus strand). Cytogenetic location: 9q22.32.
Variant type: single nucleotide variant.
Coding change: c.88G>A on transcript NM_020207.7 (MANE Select); coding-DNA position 88, G replaced by A.
Protein change: p.Asp30Asn; replaces aspartic acid 30 with asparagine.
Molecular consequence: missense variant. On other transcripts: non-coding transcript variant (1).
Genome position (GRCh38, 1-based): chr9:95,880,910, G>A. VCF-style: chr9-95880910-G-A. GRCh37 (hg19) VCF-style: chr9-98643192-G-A.
Other names: c.88G>A, p.Asp30Asn (NM_001010895.4, NM_001375291.1, NM_001375292.1 and 2 more transcripts); short protein forms D30N.
Identifiers: ClinVar variation 3845834 (VCV003845834.1).

ClinVar aggregate classification (germline): Uncertain significance (1 of 4 stars; one submission).

Conditions:
Inborn genetic diseases. Identifiers: MedGen C0950123, MeSH D030342.

Submission:

Ambry Genetics
Classification: Uncertain significance for Inborn genetic diseases. Last evaluated: 2024-12-29. Review status: criteria provided, single submitter. Criteria: Ambry Variant Classification Scheme 2023. Collection method: clinical testing. Allele origin: germline.
Comment: The p.D30N variant (also known as c.88G>A), located in coding exon 2 of the ERCC6L2 gene, results from a G to A substitution at nucleotide position 88. The aspartic acid at codon 30 is replaced by asparagine, an amino acid with highly similar properties. This amino acid position is conserved. In addition, this alteration is predicted to be tolerated by in silico analysis. Based on the available evidence, the clinical significance of this variant remains unclear.